The following is an entry in ClinVar:

NM_033159.4(HYAL1):c.788_789del (p.Gln263fs)

Gene: HYAL1 (hyaluronidase 1; minus strand). Cytogenetic location: 3p21.31.
Variant type: Deletion.
Coding change: c.788_789del on transcript NM_033159.4 (MANE Select); coding-DNA positions 788 to 789, 2 bases deleted (AA; older notation c.788_789delAA).
Protein change: p.Gln263fs; shifts the reading frame from glutamine 263.
Molecular consequence: frameshift variant. On other transcripts: non-coding transcript variant (1).
Genome position (GRCh38, 1-based): chr3:50,302,168-50,302,169, TT deleted on the plus strand (AA on the coding strand, the reverse complement: HYAL1 is on the minus strand). VCF-style (leftmost placement, unchanged base first): chr3-50302167-GTT-G. GRCh37 (hg19) VCF-style: chr3-50339598-GTT-G.
Other names: c.788_789del, p.Gln263fs (NM_153281.2, NM_153282.3); c.242_243del, p.Gln81fs (NM_153283.3); c.11_12del, p.Gln4fs (NM_153285.3); short protein forms Q263fs, Q4fs, Q81fs.
Identifiers: ClinVar variation 4816915 (VCV004816915.1).
Genomic context (GRCh38, chr3:50,302,167, plus strand): 5'-GCACCGGCAGATTGGGGTCACCAGCAGCCACAGCCACACGGAATGCCTCGGCCACACGGT[GTT>G]GCACATACATCTGTGACTTCCCTGTGCCCTCCAGCACTGCGGGCATGTAGATGCTGGGAT-3'

ClinVar aggregate classification (germline): Likely pathogenic (1 of 4 stars; one submission).

Conditions:
Deficiency of hyaluronoglucosaminidase (MPS9). Also called: MPS IX; Mucopolysaccharidosis type 9; HYALURONIDASE DEFICIENCY. Identifiers: Orphanet 67041, MedGen C1291490, MONDO:0011093, OMIM 601492.

Submission:

Natera, Inc.
Classification: Likely pathogenic for Mucopolysaccharidosis type IX. Last evaluated: 2025-01-24. Review status: criteria provided, single submitter. Criteria: Natera Variant Classification Schema (03/2026). Collection method: clinical testing. Allele origin: germline.
Comment: The c.788_789delAA variant in HYAL1 is a frameshift variant predicted to shift the reading frame beginning at codon 263 and leads to a stop codon 15 codons downstream. This variant is expected to result in nonsense mediated decay, truncation, or a dysfunctional protein product. This variant is rare in the general population with a frequency below the threshold expected for the associated phenotype(s). Given the available evidence, this variant is classified as Likely Pathogenic.